The following is an entry in ClinVar:

NM_032043.3(BRIP1):c.3353del (p.Asn1118fs)

Gene: BRIP1 (BRCA1 interacting DNA helicase 1; minus strand). Cytogenetic location: 17q23.2.
Variant type: Deletion.
Coding change: c.3353del on transcript NM_032043.3 (MANE Select); coding-DNA position 3353, one base deleted (A; older notation c.3353delA).
Protein change: p.Asn1118fs; shifts the reading frame from asparagine 1118.
Molecular consequence: frameshift variant.
Genome position (GRCh38, 1-based): chr17:61,683,693, T deleted on the plus strand (A on the coding strand, the reverse complement: BRIP1 is on the minus strand); the first of 3 consecutive T bases (chr17:61,683,693-61,683,695); deleting any one gives the same sequence. VCF-style (leftmost placement, unchanged base first): chr17-61683692-AT-A. GRCh37 (hg19) VCF-style: chr17-59761053-AT-A.
Other names: short protein forms N1118fs.
Identifiers: ClinVar variation 3026733 (VCV003026733.24), dbSNP rs2544557300, ClinGen allele CA2740093830.

ClinVar aggregate classification (germline): Conflicting classifications of pathogenicity. Review status: criteria provided, conflicting classifications (1 of 4 stars). 2 submissions from 2 submitters: Likely pathogenic (1); Uncertain significance (1). Last evaluated 2025-07-15.

Conditions:
Fanconi anemia complementation group J. Also called: BRIP1-Related Fanconi Anemia. Identifiers: Orphanet 84, MedGen C1836860, MONDO:0012187, OMIM 609054.
Familial cancer of breast. Also called: BREAST CANCER, FAMILIAL; Hereditary breast cancer; hereditary breast carcinoma. Identifiers: Orphanet 227535, MedGen C0346153, MONDO:0016419, OMIM 114480. Disease mechanism: loss of function.

Submissions (2):

Labcorp Genetics (formerly Invitae), Labcorp
Classification: Uncertain significance for Familial cancer of breast; Fanconi anemia complementation group J. Last evaluated: 2025-07-15. Review status: criteria provided, single submitter. Criteria: Invitae Variant Classification Sherloc (09022015). Collection method: clinical testing. Allele origin: germline.
Comment: This sequence change creates a premature translational stop signal (p.Asn1118Ilefs*32) in the BRIP1 gene. While this is not anticipated to result in nonsense mediated decay, it is expected to disrupt the last 132 amino acid(s) of the BRIP1 protein. This variant is not present in population databases (gnomAD no frequency). This variant has not been reported in the literature in individuals affected with BRIP1-related conditions. ClinVar contains an entry for this variant (Variation ID: 3026733). In summary, the available evidence is currently insufficient to determine the role of this variant in disease. Therefore, it has been classified as a Variant of Uncertain Significance.

CeGaT Center for Human Genetics Tuebingen
Classification: Likely pathogenic. Last evaluated: 2023-12-01. Review status: criteria provided, single submitter. Criteria: CeGaT Center For Human Genetics Tuebingen Variant Classification Criteria Version 2. Collection method: clinical testing. Allele origin: germline. Affected: yes. Observed: 1 variant allele.
Comment: BRIP1: PVS1:Strong, PM2